The following is an entry in ClinVar:

ClinVar aggregate classification (germline): Uncertain significance (1 of 4 stars; one submission).

Conditions:
Hereditary cancer-predisposing syndrome. Also called: Tumor predisposition; Hereditary neoplastic syndrome; Neoplastic Syndromes, Hereditary; Hereditary Cancer Syndrome. Identifiers: Orphanet 140162, MedGen C0027672, MeSH D009386, MONDO:0015356.

Submission:

Ambry Genetics
Classification: Uncertain significance for Hereditary cancer-predisposing syndrome. Last evaluated: 2025-06-05. Review status: criteria provided, single submitter. Criteria: Ambry Variant Classification Scheme 2023. Collection method: clinical testing. Allele origin: germline.
Comment: The p.Y311D variant (also known as c.931T>G), located in coding exon 8 of the BMPR1A gene, results from a T to G substitution at nucleotide position 931. The tyrosine at codon 311 is replaced by aspartic acid, an amino acid with highly dissimilar properties. This amino acid position is conserved. In addition, this alteration is predicted to be deleterious by in silico analysis. Based on the available evidence, the clinical significance of this variant remains unclear.

NM_004329.3(BMPR1A):c.931T>G (p.Tyr311Asp)

Gene: BMPR1A (bone morphogenetic protein receptor type 1A; plus strand). Cytogenetic location: 10q23.2.
Variant type: single nucleotide variant.
Coding change: c.931T>G on transcript NM_004329.3 (MANE Select); coding-DNA position 931, T replaced by G.
Protein change: p.Tyr311Asp; replaces tyrosine 311 with aspartic acid.
Molecular consequence: missense variant. On other transcripts: non-coding transcript variant (3).
Genome position (GRCh38, 1-based): chr10:86,919,234, T>G. VCF-style: chr10-86919234-T-G. GRCh37 (hg19) VCF-style: chr10-88678991-T-G.
Other names: c.931T>G, p.Tyr311Asp (NM_001406571.1, NM_001406572.1, NM_001406573.1 and 19 more transcripts); c.1006T>G, p.Tyr336Asp (NM_001406559.1); c.979T>G, p.Tyr327Asp (NM_001406560.1); c.925T>G, p.Tyr309Asp (NM_001406583.1); c.847T>G, p.Tyr283Asp (NM_001406584.1, NM_001406585.1, NM_001406586.1 and 2 more transcripts); c.589T>G, p.Tyr197Asp (NM_001406589.1); short protein forms Y309D, Y311D, Y336D, Y327D, Y197D, Y283D.
Identifiers: ClinVar variation 3992037 (VCV003992037.1).